The following is an entry in ClinVar:

NM_014687.4(RUBCN):c.2192-11G>A

Gene: RUBCN (rubicon autophagy regulator; minus strand). Cytogenetic location: 3q29.
Variant type: single nucleotide variant.
Coding change: c.2192-11G>A on transcript NM_014687.4 (MANE Select); 11 bases into the intron before coding-DNA position 2192, G replaced by A.
Molecular consequence: intron variant.
Genome position (GRCh38, 1-based): chr3:197,681,378, C>T on the plus strand (G>A on the coding strand, the complement: RUBCN is on the minus strand). VCF-style: chr3-197681378-C-T. GRCh37 (hg19) VCF-style: chr3-197408249-C-T.
Other names: c.2057-11G>A (NM_001145642.5); c.2309-11G>A (NM_001346873.2).
Identifiers: ClinVar variation 2497926 (VCV002497926.1), dbSNP rs186962874, ClinGen allele CA2786637.

ClinVar aggregate classification (germline): Uncertain significance (1 of 4 stars; one submission).

Allele frequency attached by ClinVar (database versions not stated): TOPMed 0.00002; gnomAD exomes 0.00003; gnomAD 0.00004; ExAC 0.00009; 1000 Genomes Project 30x 0.00016; 1000 Genomes Project 0.00020.
gnomAD v4.1: 56 of 1,602,312 alleles (0.0035%); highest among the groups gnomAD compares: Non-Finnish European, 0.0028%; no homozygotes.

Submission:

GeneDx
Classification: Uncertain significance. Last evaluated: 2022-10-05. Review status: criteria provided, single submitter. Criteria: GeneDx Variant Classification Process June 2021. Collection method: clinical testing. Allele origin: germline. Affected: yes.
Comment: In silico analysis supports a deleterious effect on splicing; Has not been previously published as pathogenic or benign to our knowledge